The following is an entry in ClinVar:

ClinVar aggregate classification (germline): Uncertain significance. Review status: criteria provided, multiple submitters, no conflicts (2 of 4 stars). 5 submissions from 5 submitters: Uncertain significance (5). Last evaluated 2025-05-16.

Conditions:
Inborn genetic diseases. Identifiers: MedGen C0950123, MeSH D030342.
Primary ciliary dyskinesia 30. Also called: CILIARY DYSKINESIA, PRIMARY, 30, WITH OR WITHOUT SITUS INVERSUS. Identifiers: Orphanet 244, MedGen C4015016, MONDO:0014465, OMIM 616037.

Allele frequency attached by ClinVar (database versions not stated): ExAC 0.00012; gnomAD 0.00014 and 0.00015; gnomAD exomes 0.00014 and 0.00031; TOPMed 0.00017.

Submissions (5):

Ambry Genetics
Classification: Uncertain significance for Inborn genetic diseases. Last evaluated: 2025-05-16. Review status: criteria provided, single submitter. Criteria: Ambry Variant Classification Scheme 2023. Collection method: clinical testing. Allele origin: germline.

Labcorp Genetics (formerly Invitae), Labcorp
Classification: Uncertain significance for Primary ciliary dyskinesia 30. Last evaluated: 2022-07-05. Review status: criteria provided, single submitter. Criteria: Invitae Variant Classification Sherloc (09022015). Collection method: clinical testing. Allele origin: germline.
Comment: This sequence change replaces lysine, which is basic and polar, with arginine, which is basic and polar, at codon 305 of the CCDC151 protein (p.Lys305Arg). This variant is present in population databases (rs762033637, gnomAD 0.02%). This variant has not been reported in the literature in individuals affected with CCDC151-related conditions. ClinVar contains an entry for this variant (Variation ID: 228474). Algorithms developed to predict the effect of missense changes on protein structure and function are either unavailable or do not agree on the potential impact of this missense change (SIFT: "Tolerated"; PolyPhen-2: "Probably Damaging"; Align-GVGD: "Class C0"). In summary, the available evidence is currently insufficient to determine the role of this variant in disease. Therefore, it has been classified as a Variant of Uncertain Significance.

Fulgent Genetics
Classification: Uncertain significance for Primary ciliary dyskinesia 30. Last evaluated: 2022-01-05. Review status: criteria provided, single submitter. Criteria: ACMG Guidelines, 2015. Collection method: clinical testing. Allele origin: unknown.

Revvity Omics, Revvity
Classification: Uncertain significance for Primary ciliary dyskinesia 30. Last evaluated: 2019-08-14. Review status: criteria provided, single submitter. Criteria: ACMG Guidelines, 2015. Collection method: clinical testing. Allele origin: germline.

Laboratory for Molecular Medicine, Mass General Brigham Personalized Medicine
Classification: Uncertain significance. Last evaluated: 2015-09-29. Review status: criteria provided, single submitter. Criteria: LMM Criteria. Collection method: clinical testing. Allele origin: germline. Observed: 1 variant allele.
Comment: The p.Lys305Arg variant in CCDC151 has not been previously reported in individua ls with primary ciliary dyskinesia, but has been identified in 10/63026 of Europ ean chromosomes by the Exome Aggregation Consortium (ExAC). Four other species (American alligator, tetradon, stickleback, and f ruitfly) carry an arginine (Arg) at this position, raising the posibility that t his chnage may be tolerated. However, this information is not predictive enough to rule out pathogenicity and additional computational prediction tools do not p rovide strong support for or against an impact to the protein. In summary, the c linical significance of the p.Lys305Arg variant is uncertain.

NM_145045.5(ODAD3):c.914A>G (p.Lys305Arg)

Gene: ODAD3 (outer dynein arm docking complex subunit 3; minus strand). Cytogenetic location: 19p13.2.
Variant type: single nucleotide variant.
Coding change: c.914A>G on transcript NM_145045.5 (MANE Select); coding-DNA position 914, A replaced by G.
Protein change: p.Lys305Arg; replaces lysine 305 with arginine.
Molecular consequence: missense variant.
Genome position (GRCh38, 1-based): chr19:11,426,193, T>C on the plus strand (A>G on the coding strand, the complement: ODAD3 is on the minus strand). VCF-style: chr19-11426193-T-C. GRCh37 (hg19) VCF-style: chr19-11537013-T-C.
Other names: c.752A>G, p.Lys251Arg (NM_001302453.1); c.734A>G, p.Lys245Arg (NM_001302454.2); short protein forms K305R, K245R, K251R.
Identifiers: ClinVar variation 228474 (VCV000228474.15), dbSNP rs762033637, ClinGen allele CA9212216.
Genomic context (GRCh38, chr19:11,426,193, plus strand): 5'-GGTGCGCCCACCTTGCGCTCCATGCGCTCGTTCTCCAGTTTCTTCTCCTCGGCGCGCTTC[T>C]TGCACTCACTTATGTAGCGTTCCCGCTTCTTGCGCTCTCGAACCAAGGTCTCCTCTAGGT-3'
Protein context (NP_659482.3, residues 295-315): KKRERYISEC[Lys305Arg]KRAEEKKLEN